The following is an entry in ClinVar:

NM_198334.3(GANAB):c.2513G>C (p.Gly838Ala)

Gene: GANAB (glucosidase II alpha subunit; minus strand). Cytogenetic location: 11q12.3.
Variant type: single nucleotide variant.
Coding change: c.2513G>C on transcript NM_198334.3 (MANE Select); coding-DNA position 2513, G replaced by C.
Protein change: p.Gly838Ala; replaces glycine 838 with alanine.
Molecular consequence: missense variant.
Genome position (GRCh38, 1-based): chr11:62,626,446, C>G on the plus strand (G>C on the coding strand, the complement: GANAB is on the minus strand). VCF-style: chr11-62626446-C-G. GRCh37 (hg19) VCF-style: chr11-62393918-C-G.
Other names: c.2237G>C, p.Gly746Ala (NM_001278192.2); c.2171G>C, p.Gly724Ala (NM_001278193.2); c.2222G>C, p.Gly741Ala (NM_001278194.2, NM_001329222.2, NM_001329223.2); c.1790G>C, p.Gly597Ala (NM_001329224.2, NM_001329225.2); c.2579G>C, p.Gly860Ala (NM_198335.4); c.2579G>C (NM_198335.2); short protein forms G597A, G724A, G741A, G746A, G838A, G860A.
Identifiers: ClinVar variation 3372299 (VCV003372299.2).

ClinVar aggregate classification (germline): Conflicting classifications of pathogenicity. Review status: criteria provided, conflicting classifications (1 of 4 stars). 2 submissions from 2 submitters: Uncertain significance (1); Likely benign (1). Last evaluated 2025-11-24.

Conditions:
Inborn genetic diseases. Identifiers: MedGen C0950123, MeSH D030342.

Submissions (2):

Ambry Genetics
Classification: Likely benign for Inborn genetic diseases. Last evaluated: 2025-11-24. Review status: criteria provided, single submitter. Criteria: Ambry Variant Classification Scheme 2023. Collection method: clinical testing. Allele origin: germline.

GeneDx
Classification: Uncertain significance. Last evaluated: 2024-04-12. Review status: criteria provided, single submitter. Criteria: GeneDx Variant Classification Process June 2021. Collection method: clinical testing. Allele origin: germline. Affected: yes.
Comment: Not observed at significant frequency in large population cohorts (gnomAD); In silico analysis supports that this missense variant has a deleterious effect on protein structure/function; Has not been previously published as pathogenic or benign to our knowledge